The following is an entry in ClinVar:

NM_002439.5(MSH3):c.3003G>A (p.Val1001=)

Gene: MSH3 (mutS homolog 3; plus strand). Cytogenetic location: 5q14.1.
Variant type: single nucleotide variant.
Coding change: c.3003G>A on transcript NM_002439.5 (MANE Select); coding-DNA position 3003, G replaced by A.
Protein change: p.Val1001=; no amino-acid change (valine 1001 retained).
Molecular consequence: synonymous variant.
Genome position (GRCh38, 1-based): chr5:80,864,815, G>A. VCF-style: chr5-80864815-G-A. GRCh37 (hg19) VCF-style: chr5-80160634-G-A.
Other names: c.3003G>A (NM_002439.4).
Identifiers: ClinVar variation 1798722 (VCV001798722.8), dbSNP rs367564566, ClinGen allele CA3328431.
Genomic context (GRCh38, chr5:80,864,815, plus strand): 5'-TTTTAATTACAATAAAATTTAAAAATGAAATAACATTTATTCTGTCTTATTGCTTTAGGT[G>A]AAATCCTTAACCCTGTTTGTCACCCATTATCCGCCAGTTTGTGAACTAGAAAAAAATTAC-3'
Protein context (NP_002430.3, residues 991-1011): YATLEYFIRD[Val1001=]KSLTLFVTHY

ClinVar aggregate classification (germline): Conflicting classifications of pathogenicity. Review status: criteria provided, conflicting classifications (1 of 4 stars). 3 submissions from 3 submitters: Uncertain significance (1); Likely benign (2). Last evaluated 2023-02-06.

Conditions:
Hereditary cancer-predisposing syndrome. Also called: Neoplastic Syndromes, Hereditary; Tumor predisposition; Hereditary Cancer Syndrome; Hereditary neoplastic syndrome. Identifiers: Orphanet 140162, MedGen C0027672, MeSH D009386, MONDO:0015356.

Allele frequency attached by ClinVar (database versions not stated): TOPMed below 0.00001; ExAC 0.00001; ESP Exome Variant Server 0.00008.

Submissions (3):

Quest Diagnostics Nichols Institute San Juan Capistrano
Classification: Uncertain significance. Last evaluated: 2023-02-06. Review status: criteria provided, single submitter. Criteria: Quest Diagnostics criteria. Collection method: clinical testing. Allele origin: unknown.
Comment: To the best of our knowledge, the variant has not been reported in individuals with MSH3-related conditions in the published literature. The frequency of this variant in the general population, 0.000004 (1/250842 chromosomes), is uninformative in assessment of its pathogenicity. Analysis of this variant using software algorithms for the prediction of the effect of nucleotide changes on splicing yielded predictions that this variant does not affect MSH3 mRNA splicing . Based on the available information, we are unable to determine the clinical significance of this variant.

Labcorp Genetics (formerly Invitae), Labcorp
Classification: Likely benign. Last evaluated: 2022-12-14. Review status: criteria provided, single submitter. Criteria: Invitae Variant Classification Sherloc (09022015). Collection method: clinical testing. Allele origin: germline.

Ambry Genetics
Classification: Likely benign for Hereditary cancer-predisposing syndrome. Last evaluated: 2021-01-26. Review status: criteria provided, single submitter. Criteria: Ambry Variant Classification Scheme 2023. Collection method: clinical testing. Allele origin: germline.